The following is an entry in ClinVar:

ClinVar aggregate classification (germline): Benign (1 of 4 stars; one submission).

Allele frequency attached by ClinVar (database versions not stated): 1000 Genomes Project 30x 0.01468; 1000 Genomes Project 0.01478; gnomAD 0.01519 and 0.01617; TOPMed 0.01680.
gnomAD v4.1: 2,250 of 149,532 alleles (1.5%); highest among the groups gnomAD compares: African/African-American, 5.2%; 58 homozygotes.

Submission:

GeneDx
Classification: Benign. Last evaluated: 2018-06-19. Review status: criteria provided, single submitter. Criteria: GeneDx Variant Classification (06012015). Collection method: clinical testing. Allele origin: germline. Affected: yes.
Comment: This variant is considered likely benign or benign based on one or more of the following criteria: it is a conservative change, it occurs at a poorly conserved position in the protein, it is predicted to be benign by multiple in silico algorithms, and/or has population frequency not consistent with disease.

NM_000081.4(LYST):c.10701+316C>T

Gene: LYST (lysosomal trafficking regulator; minus strand). Cytogenetic location: 1q42.3.
Variant type: single nucleotide variant.
Coding change: c.10701+316C>T on transcript NM_000081.4 (MANE Select); 316 bases into the intron after coding-DNA position 10701, C replaced by T.
Molecular consequence: intron variant.
Genome position (GRCh38, 1-based): chr1:235,693,034, G>A on the plus strand (C>T on the coding strand, the complement: LYST is on the minus strand). VCF-style: chr1-235693034-G-A. GRCh37 (hg19) VCF-style: chr1-235856334-G-A.
Other names: c.10701+316C>T (NM_001301365.1).
Identifiers: ClinVar variation 674252 (VCV000674252.1), dbSNP rs116553564, ClinGen allele CA39584049.